The following is an entry in ClinVar:

ClinVar aggregate classification (germline): Uncertain significance. Review status: criteria provided, multiple submitters, no conflicts (2 of 4 stars). 2 submissions from 2 submitters: Uncertain significance (2). Last evaluated 2023-12-11.

Allele frequency attached by ClinVar (database versions not stated): gnomAD exomes below 0.00001 and 0.00001; ExAC 0.00001; gnomAD 0.00001.
gnomAD v4.1: 5 of 1,613,058 alleles (0.00031%); highest among the groups gnomAD compares: Non-Finnish European, 0.00042%; no homozygotes.

Submissions (2):

Ambry Genetics
Classification: Uncertain significance. Last evaluated: 2023-12-11. Review status: criteria provided, single submitter. Criteria: Ambry Variant Classification Scheme 2023. Collection method: clinical testing. Allele origin: germline.

Labcorp Genetics (formerly Invitae), Labcorp
Classification: Uncertain significance. Last evaluated: 2022-07-11. Review status: criteria provided, single submitter. Criteria: Invitae Variant Classification Sherloc (09022015). Collection method: clinical testing. Allele origin: germline.
Comment: Algorithms developed to predict the effect of sequence changes on RNA splicing suggest that this variant may create or strengthen a splice site. In summary, the available evidence is currently insufficient to determine the role of this variant in disease. Therefore, it has been classified as a Variant of Uncertain Significance. Algorithms developed to predict the effect of missense changes on protein structure and function are either unavailable or do not agree on the potential impact of this missense change (SIFT: "Deleterious"; PolyPhen-2: "Possibly Damaging"; Align-GVGD: "Class C15"). This sequence change replaces aspartic acid, which is acidic and polar, with glycine, which is neutral and non-polar, at codon 487 of the CCT2 protein (p.Asp487Gly). This variant is present in population databases (rs760610390, gnomAD 0.002%). This variant has not been reported in the literature in individuals affected with CCT2-related conditions. ClinVar contains an entry for this variant (Variation ID: 957006).

NM_006431.3(CCT2):c.1460A>G (p.Asp487Gly)

Gene: CCT2 (chaperonin containing TCP1 subunit 2; plus strand). Cytogenetic location: 12q15.
Variant type: single nucleotide variant.
Coding change: c.1460A>G on transcript NM_006431.3 (MANE Select); coding-DNA position 1460, A replaced by G.
Protein change: p.Asp487Gly; replaces aspartic acid 487 with glycine.
Molecular consequence: missense variant.
Genome position (GRCh38, 1-based): chr12:69,599,887, A>G. VCF-style: chr12-69599887-A-G. GRCh37 (hg19) VCF-style: chr12-69993667-A-G.
Other names: c.1319A>G, p.Asp440Gly (NM_001198842.2); short protein forms D487G, D440G.
Identifiers: ClinVar variation 957006 (VCV000957006.10), dbSNP rs760610390, ClinGen allele CA6680881.